The following is an entry in ClinVar:

ClinVar aggregate classification (germline): Benign/Likely benign. Review status: criteria provided, multiple submitters, no conflicts (2 of 4 stars). 5 submissions from 5 submitters: Benign (2); Likely benign (3). Last evaluated 2026-02-01.

Allele frequency attached by ClinVar (database versions not stated): gnomAD exomes 0.00067 and 0.00162; ExAC 0.00233; gnomAD 0.00772 and 0.00841; 1000 Genomes Project 30x 0.00796; 1000 Genomes Project 0.00799; TOPMed 0.00850.
gnomAD v4.1: 2,129 of 1,534,806 alleles (0.14%); highest among the groups gnomAD compares: African/African-American, 2.7%; 21 homozygotes.

Submissions (5):

Labcorp Genetics (formerly Invitae), Labcorp
Classification: Benign. Last evaluated: 2026-02-01. Review status: criteria provided, single submitter. Criteria: Invitae Variant Classification Sherloc (09022015). Collection method: clinical testing. Allele origin: germline.

GeneDx
Classification: Likely benign. Last evaluated: 2021-03-10. Review status: criteria provided, single submitter. Criteria: GeneDx Variant Classification Process June 2021. Collection method: clinical testing. Allele origin: germline. Affected: yes.

Eurofins Ntd Llc (ga)
Classification: Benign. Last evaluated: 2015-10-05. Review status: criteria provided, single submitter. Criteria: EGL Classification Definitions 2015. Collection method: clinical testing. Allele origin: germline. Observed: 1 variant allele, 1 heterozygote.

Genetic Services Laboratory, University of Chicago
Classification: Likely benign. Last evaluated: 2014-01-08. Review status: criteria provided, single submitter. Criteria: ACMG Guidelines, 2007. Collection method: clinical testing. Allele origin: germline. Inheritance: Autosomal dominant inheritance.
Comment: Likely benign based on allele frequency in 1000 Genomes Project or ESP global frequency and its presence in a patient with a rare or unrelated disease phenotype. NOT Sanger confirmed

Breakthrough Genomics
Classification: Likely benign. Review status: criteria provided, single submitter. Criteria: ACMG Guidelines, 2015. Collection method: not provided. Allele origin: germline. Inheritance: Autosomal dominant inheritance. Affected: yes.

NM_019066.5(MAGEL2):c.383T>C (p.Leu128Pro)

Gene: MAGEL2 (MAGE family member L2; minus strand). Cytogenetic location: 15q11.2.
Variant type: single nucleotide variant.
Coding change: c.383T>C on transcript NM_019066.5 (MANE Select); coding-DNA position 383, T replaced by C.
Protein change: p.Leu128Pro; replaces leucine 128 with proline.
Molecular consequence: missense variant.
Genome position (GRCh38, 1-based): chr15:23,647,360, A>G on the plus strand (T>C on the coding strand, the complement: MAGEL2 is on the minus strand). VCF-style: chr15-23647360-A-G. GRCh37 (hg19) VCF-style: chr15-23892507-A-G.
Other names: short protein forms L128P.
Identifiers: ClinVar variation 158814 (VCV000158814.22), dbSNP rs191559595, ClinGen allele CA172487.